The following is an entry in ClinVar:

NM_005068.3(SIM1):c.2283A>C (p.Ile761=)

Gene: SIM1 (SIM bHLH transcription factor 1; minus strand). Cytogenetic location: 6q16.3.
Variant type: single nucleotide variant.
Coding change: c.2283A>C on transcript NM_005068.3 (MANE Select); coding-DNA position 2283, A replaced by C.
Protein change: p.Ile761=; no amino-acid change (isoleucine 761 retained).
Molecular consequence: synonymous variant.
Genome position (GRCh38, 1-based): chr6:100,390,379, T>G on the plus strand (A>C on the coding strand, the complement: SIM1 is on the minus strand). VCF-style: chr6-100390379-T-G. GRCh37 (hg19) VCF-style: chr6-100838255-T-G.
Other names: c.2283A>C, p.Ile761= (NM_001374769.1).
Identifiers: ClinVar variation 3043346 (VCV003043346.4), dbSNP rs371924273, ClinGen allele CA3936835.

ClinVar aggregate classification (germline): Likely benign. Review status: criteria provided, single submitter (1 of 4 stars). 2 submissions from 2 submitters: Likely benign (1). 1 of the submissions does not count toward it. Last evaluated 2024-04-09.

Conditions:
SIM1-related disorder. Also called: SIM1-related disorders; SIM1-related condition.

Allele frequency attached by ClinVar (database versions not stated): ExAC 0.00007; TOPMed 0.00008; gnomAD 0.00011; gnomAD exomes 0.00012; ESP Exome Variant Server 0.00023.
gnomAD v4.1: 192 of 1,613,184 alleles (0.012%); highest among the groups gnomAD compares: Non-Finnish European, 0.016%; no homozygotes.

Submissions (2):

Labcorp Genetics (formerly Invitae), Labcorp
Classification: Likely benign. Last evaluated: 2024-04-09. Review status: criteria provided, single submitter. Criteria: Invitae Variant Classification Sherloc (09022015). Collection method: clinical testing. Allele origin: germline.

PreventionGenetics, part of Exact Sciences
Classification: Likely benign for SIM1-related condition. Last evaluated: 2019-09-04. Review status: no assertion criteria provided. Collection method: clinical testing. Allele origin: germline. Not counted in ClinVar's aggregate classification.
Comment: This variant is classified as likely benign based on ACMG/AMP sequence variant interpretation guidelines (Richards et al. 2015 PMID: 25741868, with internal and published modifications).